The following is an entry in ClinVar:

ClinVar aggregate classification (germline): Conflicting classifications of pathogenicity. Review status: criteria provided, conflicting classifications (1 of 4 stars). 4 submissions from 4 submitters: Uncertain significance (1); Likely benign (2). 1 of the submissions does not count toward it. Last evaluated 2026-08-04.

Conditions:
Polycystic kidney disease. Also called: Kidney, Polycystic; Polycystic kidney dysplasia. Identifiers: MedGen C0022680, MeSH D007690, MONDO:0020642, HP:0000113.
PKD1-related disorder. Also called: PKD1-related condition.
Inborn genetic diseases. Identifiers: MedGen C0950123, MeSH D030342.

Allele frequency attached by ClinVar (database versions not stated): ExAC below 0.00001; gnomAD 0.00004 and 0.00006; gnomAD exomes 0.00006 and 0.00021; TOPMed 0.00008.
gnomAD v4.1: 92 of 1,439,266 alleles (0.0064%); highest among the groups gnomAD compares: Admixed American, 0.0088%; no homozygotes.

Submissions (4):

PreventionGenetics, part of Exact Sciences
Classification: Likely benign for PKD1-related condition. Last evaluated: 2026-08-04. Review status: criteria provided, single submitter. Criteria: ACMG Guidelines, 2015. Collection method: clinical testing. Allele origin: germline.
Comment: This variant is classified as likely benign based on ACMG/AMP sequence variant interpretation guidelines (Richards et al. 2015 PMID: 25741868, with internal and published modifications).

Athena Diagnostics
Classification: Likely benign. Last evaluated: 2025-01-30. Review status: criteria provided, single submitter. Criteria: Athena Diagnostics Criteria. Collection method: clinical testing. Allele origin: unknown.
Comment: The frequency of this variant in the general population is higher than would generally be expected for pathogenic variants in this gene. This variant has been seen where an alternate explanation for disease was also identified.

Ambry Genetics
Classification: Uncertain significance for Inborn genetic diseases. Last evaluated: 2021-08-02. Review status: criteria provided, single submitter. Criteria: Ambry Variant Classification Scheme 2023. Collection method: clinical testing. Allele origin: germline.

Department of Pathology and Laboratory Medicine, Sinai Health System
Classification: Uncertain significance for Polycystic Kidney disease. Review status: no assertion criteria provided. Collection method: clinical testing. Allele origin: unknown. Affected: yes. Study: The Canadian Open Genetics Repository (COGR). Not counted in ClinVar's aggregate classification.
Comment: The PKD1 p.Ala3876Val variant was not identified in the literature nor was it identified in the ClinVar, GeneInsight-COGR, LOVD 3.0, PKD1-LOVD, databases. The variant was also identified in dbSNP (ID: rs759962601) as N/A and ADPKD Mutation Database (classified as likely neutral). The variant was not identified in the 1000 Genomes Project, the NHLBI GO Exome Sequencing Project or the Exome Aggregation Consortium (August 8th 2016) control databases. The p.Ala3876 residue is not conserved in mammals and computational analyses (PolyPhen-2, SIFT, AlignGVGD, BLOSUM, MutationTaster) provide inconsistent predictions regarding the impact to the protein; this information is not very predictive of pathogenicity. The variant occurs outside of the splicing consensus sequence and in silico or computational prediction software programs (SpliceSiteFinder, MaxEntScan, NNSPLICE, GeneSplicer, HumanSpliceFinder) do not predict a difference in splicing. The variant is located with the Polycystin cation channel, PKD1/PKD2 functional domain increasing the likelihood that it may have clinical significance. In summary, based on the above information, the clinical significance of this variant cannot be determined with certainty at this time. This variant is classified as a variant of uncertain significance.

NM_001009944.3(PKD1):c.11627C>T (p.Ala3876Val)

Genes: PKD1 (polycystin 1, transient receptor potential channel interacting; minus strand), PKD1-AS1 (PKD1 antisense RNA 1; plus strand). Cytogenetic location: 16p13.3.
Variant type: single nucleotide variant.
Coding change: c.11627C>T on transcript NM_001009944.3 (MANE Select); coding-DNA position 11627, C replaced by T.
Protein change: p.Ala3876Val; replaces alanine 3876 with valine.
Molecular consequence: missense variant. On other transcripts: non-coding transcript variant (1).
Genome position (GRCh38, 1-based): chr16:2,091,508, G>A on the plus strand (C>T on the coding strand, the complement: PKD1 is on the minus strand). VCF-style: chr16-2091508-G-A. GRCh37 (hg19) VCF-style: chr16-2141509-G-A.
Other names: c.11624C>T (NM_000296.3); c.11627C>T (NM_001009944.2); c.11624C>T, p.Ala3875Val (NM_000296.4); short protein forms A3875V, A3876V.
Identifiers: ClinVar variation 997229 (VCV000997229.6), dbSNP rs759962601, ClinGen allele CA7829022.